The following is an entry in ClinVar:

NM_001080512.3(BICC1):c.1179+1G>A

Gene: BICC1 (BicC family RNA binding protein 1; plus strand). Cytogenetic location: 10q21.1.
Variant type: single nucleotide variant.
Coding change: c.1179+1G>A on transcript NM_001080512.3 (MANE Select); the canonical splice donor site of the intron after coding-DNA position 1179, G replaced by A.
Molecular consequence: splice donor variant.
Genome position (GRCh38, 1-based): chr10:58,793,616, G>A. VCF-style: chr10-58793616-G-A. GRCh37 (hg19) VCF-style: chr10-60553376-G-A.
Identifiers: ClinVar variation 1304890 (VCV001304890.2), dbSNP rs2132831777, ClinGen allele CA376971244.

ClinVar aggregate classification (germline): Uncertain significance (1 of 4 stars; one submission).

Submission:

GeneDx
Classification: Uncertain significance. Last evaluated: 2019-05-08. Review status: criteria provided, single submitter. Criteria: GeneDx Variant Classification Process June 2021. Collection method: clinical testing. Allele origin: germline. Affected: yes.
Comment: Not observed in large population cohorts (Lek et al., 2016); Canonical splice site variant predicted to result in an in-frame deletion of exon 9; Has not been previously published as pathogenic or benign to our knowledge